The following is an entry in ClinVar:

NM_000233.4(LHCGR):c.1090G>T (p.Val364Phe)

Genes: LHCGR (luteinizing hormone/choriogonadotropin receptor; minus strand), STON1-GTF2A1L (STON1-GTF2A1L readthrough; plus strand). Cytogenetic location: 2p16.3.
Variant type: single nucleotide variant.
Coding change: c.1090G>T on transcript NM_000233.4 (MANE Select); coding-DNA position 1090, G replaced by T.
Protein change: p.Val364Phe; replaces valine 364 with phenylalanine.
Molecular consequence: missense variant. On other transcripts: intron variant (1).
Genome position (GRCh38, 1-based): chr2:48,688,707, C>A on the plus strand (G>T on the coding strand, the complement: LHCGR is on the minus strand). VCF-style: chr2-48688707-C-A. GRCh37 (hg19) VCF-style: chr2-48915846-C-A.
Other names: c.3441+17027C>A (NM_001198593.2); short protein forms V364F.
Identifiers: ClinVar variation 3604420 (VCV003604420.2).

ClinVar aggregate classification (germline): Uncertain significance (1 of 4 stars; one submission).

gnomAD v4.1: 10 of 1,613,972 alleles (0.00062%); highest among the groups gnomAD compares: Non-Finnish European, 0.00085%; no homozygotes.

Submission:

Labcorp Genetics (formerly Invitae), Labcorp
Classification: Uncertain significance. Last evaluated: 2024-02-03. Review status: criteria provided, single submitter. Criteria: Invitae Variant Classification Sherloc (09022015). Collection method: clinical testing. Allele origin: germline.
Comment: This sequence change replaces valine, which is neutral and non-polar, with phenylalanine, which is neutral and non-polar, at codon 364 of the LHCGR protein (p.Val364Phe). This variant is not present in population databases (gnomAD no frequency). This variant has not been reported in the literature in individuals affected with LHCGR-related conditions. Advanced modeling of protein sequence and biophysical properties (such as structural, functional, and spatial information, amino acid conservation, physicochemical variation, residue mobility, and thermodynamic stability) performed at Invitae indicates that this missense variant is not expected to disrupt LHCGR protein function with a negative predictive value of 80%. In summary, the available evidence is currently insufficient to determine the role of this variant in disease. Therefore, it has been classified as a Variant of Uncertain Significance.